The following is an entry in ClinVar:

NM_001384732.1(CPLANE1):c.4264G>C (p.Val1422Leu)

Gene: CPLANE1 (ciliogenesis and planar polarity effector complex subunit 1; minus strand). Cytogenetic location: 5p13.2.
Variant type: single nucleotide variant.
Coding change: c.4264G>C on transcript NM_001384732.1 (MANE Select); coding-DNA position 4264, G replaced by C.
Protein change: p.Val1422Leu; replaces valine 1422 with leucine.
Molecular consequence: missense variant.
Genome position (GRCh38, 1-based): chr5:37,185,005, C>G on the plus strand (G>C on the coding strand, the complement: CPLANE1 is on the minus strand). VCF-style: chr5-37185005-C-G. GRCh37 (hg19) VCF-style: chr5-37185107-C-G.
Other names: c.4264G>C, p.Val1422Leu (NM_023073.4); short protein forms V1422L.
Identifiers: ClinVar variation 1377234 (VCV001377234.6), dbSNP rs2151179308, ClinGen allele CA359501570.
Genomic context (GRCh38, chr5:37,185,005, plus strand): 5'-GTTTCTCTTCTTCAATTGGTTCCCATATATTCACTTCAAAAGAGCCTATATTTCTCTGCA[C>G]ACGTTTTAGAGCTTTCACCCTCACTTTCTGGATAGAATGCATGACAACAGACATCATTTC-3'
Protein context (NP_001371661.1, residues 1412-1432): QKVRVKALKR[Val1422Leu]QRNIGSFEVN

ClinVar aggregate classification (germline): Uncertain significance (1 of 4 stars; one submission).

Submission:

Labcorp Genetics (formerly Invitae), Labcorp
Classification: Uncertain significance. Last evaluated: 2021-08-23. Review status: criteria provided, single submitter. Criteria: Invitae Variant Classification Sherloc (09022015). Collection method: clinical testing. Allele origin: germline.
Comment: This sequence change replaces valine with leucine at codon 1422 of the CPLANE1 protein (p.Val1422Leu). The valine residue is moderately conserved and there is a small physicochemical difference between valine and leucine. This variant is not present in population databases (ExAC no frequency). This variant has not been reported in the literature in individuals affected with CPLANE1-related conditions. Advanced modeling of protein sequence and biophysical properties (such as structural, functional, and spatial information, amino acid conservation, physicochemical variation, residue mobility, and thermodynamic stability) performed at Invitae indicates that this missense variant is not expected to disrupt CPLANE1 protein function. In summary, the available evidence is currently insufficient to determine the role of this variant in disease. Therefore, it has been classified as a Variant of Uncertain Significance.